The following is an entry in ClinVar:

ClinVar aggregate classification (germline): Uncertain significance. Review status: criteria provided, multiple submitters, no conflicts (2 of 4 stars). 2 submissions from 2 submitters: Uncertain significance (2). Last evaluated 2025-02-28.

Conditions:
TJP2-related disorder. Also called: TJP2-related condition.

gnomAD v4.1: 6 of 1,611,736 alleles (0.00037%); highest among the groups gnomAD compares: Non-Finnish European, 0.00051%; no homozygotes.

Submissions (2):

PreventionGenetics, part of Exact Sciences
Classification: Uncertain significance for TJP2-related condition. Last evaluated: 2025-02-28. Review status: criteria provided, single submitter. Criteria: ACMG Guidelines, 2015. Collection method: clinical testing. Allele origin: germline.
Comment: The TJP2 c.2845A>G variant is predicted to result in the amino acid substitution p.Ile949Val. To our knowledge, this variant has not been reported in the literature or in a large population database (gnomAD), indicating this variant is rare. At this time, the clinical significance of this variant is uncertain due to the absence of conclusive functional and genetic evidence.

GeneDx
Classification: Uncertain significance. Last evaluated: 2022-05-27. Review status: criteria provided, single submitter. Criteria: GeneDx Variant Classification Process June 2021. Collection method: clinical testing. Allele origin: germline. Affected: yes.
Comment: Not observed at significant frequency in large population cohorts (gnomAD); In silico analysis supports that this missense variant does not alter protein structure/function; Has not been previously published as pathogenic or benign to our knowledge

NM_004817.4(TJP2):c.2845A>G (p.Ile949Val)

Gene: TJP2 (tight junction protein 2; plus strand). Cytogenetic location: 9q21.11.
Variant type: single nucleotide variant.
Coding change: c.2845A>G on transcript NM_004817.4 (MANE Select); coding-DNA position 2845, A replaced by G.
Protein change: p.Ile949Val; replaces isoleucine 949 with valine.
Molecular consequence: missense variant. On other transcripts: intron variant (1).
Genome position (GRCh38, 1-based): chr9:69,248,189, A>G. VCF-style: chr9-69248189-A-G. GRCh37 (hg19) VCF-style: chr9-71863105-A-G.
Other names: c.2776A>G, p.Ile926Val (NM_001170414.2, NM_001369871.1); c.2857A>G, p.Ile953Val (NM_001170415.1, NM_001369874.1, NM_001369875.1); c.2938A>G, p.Ile980Val (NM_001170416.2); c.2770A>G, p.Ile924Val (NM_001369870.1); c.2845A>G, p.Ile949Val (NM_001369872.1, NM_201629.3); c.2667+1399A>G (NM_001369873.1); short protein forms I924V, I926V, I949V, I953V, I980V.
Identifiers: ClinVar variation 1800943 (VCV001800943.2), dbSNP rs745456343, ClinGen allele CA373538431.